The following is an entry in ClinVar:

NM_000419.5(ITGA2B):c.2033C>T (p.Ala678Val)

Gene: ITGA2B (integrin subunit alpha 2b; minus strand). Cytogenetic location: 17q21.31.
Variant type: single nucleotide variant.
Coding change: c.2033C>T on transcript NM_000419.5 (MANE Select); coding-DNA position 2033, C replaced by T.
Protein change: p.Ala678Val; replaces alanine 678 with valine.
Molecular consequence: missense variant.
Genome position (GRCh38, 1-based): chr17:44,378,423, G>A on the plus strand (C>T on the coding strand, the complement: ITGA2B is on the minus strand). VCF-style: chr17-44378423-G-A. GRCh37 (hg19) VCF-style: chr17-42455791-G-A.
Other names: p.Ala678Val; c.2033C>T (NM_000419.4); short protein forms A678V.
Identifiers: ClinVar variation 2200225 (VCV002200225.6), dbSNP rs200481952, ClinGen allele CA8602861.

ClinVar aggregate classification (germline): Uncertain significance. Review status: criteria provided, multiple submitters, no conflicts (2 of 4 stars). 3 submissions from 3 submitters: Uncertain significance (2). 1 of the submissions does not count toward it. Last evaluated 2026-01-11.

Conditions:
ITGA2B-related disorder. Also called: ITGA2B-related condition; ITGA2B-related disorders.
Glanzmann thrombasthenia. Also called: PLATELET GLYCOPROTEIN IIb-IIIa DEFICIENCY; THROMBASTHENIA OF GLANZMANN AND NAEGELI; Glanzmann's thrombasthenia; Thrombasthenia. Identifiers: Orphanet 849, MedGen C0040015, MONDO:0100326.

Allele frequency attached by ClinVar (database versions not stated): ESP Exome Variant Server 0.00008; gnomAD 0.00013; TOPMed 0.00014; ExAC 0.00018.
gnomAD v4.1: 174 of 1,613,556 alleles (0.011%); highest among the groups gnomAD compares: Middle Eastern, 0.13%; no homozygotes.

Submissions (3):

Labcorp Genetics (formerly Invitae), Labcorp
Classification: Uncertain significance for Glanzmann thrombasthenia. Last evaluated: 2026-01-11. Review status: criteria provided, single submitter. Criteria: Invitae Variant Classification Sherloc (09022015). Collection method: clinical testing. Allele origin: germline.
Comment: This sequence change replaces alanine, which is neutral and non-polar, with valine, which is neutral and non-polar, at codon 678 of the ITGA2B protein (p.Ala678Val). This variant is present in population databases (rs200481952, gnomAD 0.03%). This variant has not been reported in the literature in individuals affected with ITGA2B-related conditions. ClinVar contains an entry for this variant (Variation ID: 2200225). Invitae Evidence Modeling of protein sequence and biophysical properties (such as structural, functional, and spatial information, amino acid conservation, physicochemical variation, residue mobility, and thermodynamic stability) indicates that this missense variant is expected to disrupt ITGA2B protein function with a positive predictive value of 95%. In summary, the available evidence is currently insufficient to determine the role of this variant in disease. Therefore, it has been classified as a Variant of Uncertain Significance.

Mayo Clinic Laboratories, Mayo Clinic
Classification: Uncertain significance. Last evaluated: 2025-04-07. Review status: criteria provided, single submitter. Criteria: ACMG Guidelines, 2015. Collection method: clinical testing. Allele origin: germline. Observed: 1 variant allele.

PreventionGenetics, part of Exact Sciences
Classification: Uncertain significance for ITGA2B-related condition. Last evaluated: 2024-03-23. Review status: no assertion criteria provided. Collection method: clinical testing. Allele origin: germline. Not counted in ClinVar's aggregate classification.
Comment: The ITGA2B c.2033C>T variant is predicted to result in the amino acid substitution p.Ala678Val. To our knowledge, this variant has not been reported in the literature. This variant is reported in 0.036% of alleles in individuals of South Asian descent in gnomAD. At this time, the clinical significance of this variant is uncertain due to the absence of conclusive functional and genetic evidence.

Literature cited by the submitters: PubMed 28748566 (cited by Mayo Clinic Laboratories, Mayo Clinic); PubMed 32757236 (cited by Mayo Clinic Laboratories, Mayo Clinic).